The following is an entry in ClinVar:

NM_001394062.1(MACF1):c.10837A>G (p.Thr3613Ala)

Gene: MACF1 (microtubule actin crosslinking factor 1; plus strand). Cytogenetic location: 1p34.3.
Variant type: single nucleotide variant.
Coding change: c.10837A>G on transcript NM_001394062.1 (MANE Select); coding-DNA position 10837, A replaced by G.
Protein change: p.Thr3613Ala; replaces threonine 3613 with alanine.
Molecular consequence: missense variant.
Genome position (GRCh38, 1-based): chr1:39,349,499, A>G. VCF-style: chr1-39349499-A-G. GRCh37 (hg19) VCF-style: chr1-39815171-A-G.
Other names: c.4651A>G, p.Thr1551Ala (NM_012090.5); short protein forms T3613A, T1551A.
Identifiers: ClinVar variation 3583743 (VCV003583743.3).
Genomic context (GRCh38, chr1:39,349,499, plus strand): 5'-ATTACGAAATGTCTCTTGACCCCTTTGCATTTTAATTAGACCCTGCAGAAACAACAAAAT[A>G]CCTGTCACCAGCAACTGGAGGATCTTTGCAGTTGGGTAGGACAGGCAGAAAGAGCACTGG-3'
Protein context (NP_001380991.1, residues 3603-3623): LVKTLQKQQN[Thr3613Ala]CHQQLEDLCS

ClinVar aggregate classification (germline): Uncertain significance. Review status: criteria provided, multiple submitters, no conflicts (2 of 4 stars). 2 submissions from 2 submitters: Uncertain significance (2). Last evaluated 2024-04-25.

Conditions:
Lissencephaly 9 with complex brainstem malformation. Identifiers: Orphanet 572013, MedGen C5193029, MONDO:0032677, OMIM 618325.

Submissions (2):

Labcorp Genetics (formerly Invitae), Labcorp
Classification: Uncertain significance. Last evaluated: 2024-04-25. Review status: criteria provided, single submitter. Criteria: Invitae Variant Classification Sherloc (09022015). Collection method: clinical testing. Allele origin: germline.
Comment: This sequence change replaces threonine, which is neutral and polar, with alanine, which is neutral and non-polar, at codon 1551 of the MACF1 protein (p.Thr1551Ala). This variant is not present in population databases (gnomAD no frequency). This variant has not been reported in the literature in individuals affected with MACF1-related conditions. An algorithm developed to predict the effect of missense changes on protein structure and function (PolyPhen-2) suggests that this variant is likely to be tolerated. In summary, the available evidence is currently insufficient to determine the role of this variant in disease. Therefore, it has been classified as a Variant of Uncertain Significance.

Fulgent Genetics
Classification: Uncertain significance for Lissencephaly 9 with complex brainstem malformation. Last evaluated: 2024-04-04. Review status: criteria provided, single submitter. Criteria: ACMG Guidelines, 2015. Collection method: clinical testing. Allele origin: germline.